The following is an entry in ClinVar:

ClinVar aggregate classification (germline): Pathogenic. Review status: criteria provided, multiple submitters, no conflicts (2 of 4 stars). 6 submissions from 6 submitters: Pathogenic (6). Last evaluated 2025-10-03.

Conditions:
Arthrogryposis multiplex congenita 6. Identifiers: MedGen C5543431, MONDO:0030281, OMIM 619334.
Nemaline myopathy 2 (NEM2). Also called: Nemaline myopathy 2, autosomal recessive. Identifiers: MedGen C1850569, MONDO:0009725, OMIM 256030.
Nemaline myopathy. Also called: Myopathies, Nemaline. Identifiers: Orphanet 607, MedGen C0206157, MONDO:0018958.

Allele frequency attached by ClinVar (database versions not stated): ExAC 0.00002; gnomAD exomes below 0.00001 and 0.00001; TOPMed below 0.00001; gnomAD 0.00001.

Submissions (6):

Dasa
Classification: Pathogenic. Last evaluated: 2025-10-03. Review status: criteria provided, single submitter. Criteria: DASA Assertion Criteria. Collection method: clinical testing. Allele origin: germline.
Comment: NM_001164508.2(NEB):c.1623del (p.Asp542Ilefs*15) introduces a premature termination codon predicted to result in loss of normal protein function. Loss-of-function is an established mechanism of disease for this gene. This variant has been recurrently observed in affected individuals with related phenotype in a genotype context consistent with recessive disease (PMID: 16917880; PMID: 25205138; PMID: 37525074; PMID: 36233295). The variant is present at low frequency in population datasets. Based on the available data, this variant is classified as pathogenic.

Natera, Inc.
Classification: Pathogenic for Nemaline myopathy type 2. Last evaluated: 2025-02-20. Review status: criteria provided, single submitter. Criteria: Natera Variant Classification Schema (03/2026). Collection method: clinical testing. Allele origin: germline.
Comment: The c.1623del variant in NEB is a frameshift variant predicted to shift the reading frame beginning at codon 542 and leads to a stop codon 15 codons downstream. This variant is expected to result in nonsense mediated decay, truncation, or a dysfunctional protein product. This variant is rare in the general population with a frequency below the threshold expected for the associated phenotype(s). This variant has been observed in one or more individuals affected with the associated recessive disease, as either homozygous or compound heterozygous with a second variant (PMID: 29382405). Additionally, this variant has been observed to segregate in affected family members (PMID: 29382405). Given the available evidence, this variant is classified as Pathogenic.

Labcorp Genetics (formerly Invitae), Labcorp
Classification: Pathogenic for Nemaline myopathy 2. Last evaluated: 2024-12-02. Review status: criteria provided, single submitter. Criteria: Invitae Variant Classification Sherloc (09022015). Collection method: clinical testing. Allele origin: germline.
Comment: This sequence change creates a premature translational stop signal (p.Asp542Ilefs*15) in the NEB gene. It is expected to result in an absent or disrupted protein product. Loss-of-function variants in NEB are known to be pathogenic (PMID: 25205138). This variant is present in population databases (rs772366030, gnomAD 0.0009%). This premature translational stop signal has been observed in individuals with nemaline myopathy (PMID: 16917880, 25205138). This variant is also known as g.37528delT. ClinVar contains an entry for this variant (Variation ID: 575054). Algorithms developed to predict the effect of sequence changes on RNA splicing suggest that this variant may disrupt the consensus splice site. For these reasons, this variant has been classified as Pathogenic.

Baylor Genetics
Classification: Pathogenic for Arthrogryposis multiplex congenita 6. Last evaluated: 2024-03-12. Review status: criteria provided, single submitter. Criteria: ACMG Guidelines, 2015. Collection method: clinical testing. Allele origin: unknown.

Women's Health and Genetics/Laboratory Corporation of America, LabCorp
Classification: Pathogenic for Nemaline myopathy. Last evaluated: 2022-08-05. Review status: criteria provided, single submitter. Criteria: LabCorp Variant Classification Summary - May 2015. Collection method: clinical testing. Allele origin: germline.
Comment: Variant summary: NEB c.1623delT (p.Asp542IlefsX15) results in a premature termination codon, predicted to cause a truncation of the encoded protein or absence of the protein due to nonsense mediated decay, which are commonly known mechanisms for disease. Truncations downstream of this position have been classified as pathogenic by our laboratory. The variant allele was found at a frequency of 4e-06 in 249060 control chromosomes. c.1623delT has been reported in the literature in individuals affected with Nemaline Myopathy 2 in the compound heterozygous state (Lehtokari_2014, Wu_2018, Wang_2020). These data indicate that the variant is likely to be associated with disease. One clinical diagnostic laboratory has submitted clinical-significance assessments for this variant to ClinVar after 2014 without evidence for independent evaluation. One laboratory classified the variant as pathogenic. Based on the evidence outlined above, the variant was classified as pathogenic.

Juno Genomics, Hangzhou Juno Genomics, Inc
Classification: Pathogenic for Nemaline myopathy 2. Review status: criteria provided, single submitter. Criteria: ACMG Guidelines, 2015. Collection method: clinical testing. Allele origin: germline.
Comment: Absent from controls (or at extremely low frequency if recessive) in Genome Aggregation Database.;Null variant in a gene where loss of function (LOF) is a known mechanism of disease.;For recessive disorders, detected in trans with a pathogenic variant.;Patient's phenotype or family history is highly specific for a disease with a single genetic etiology.

Literature cited by the submitters: PubMed 16917880 (cited by Dasa and Labcorp Genetics (formerly Invitae), Labcorp); PubMed 25205138 (cited by 3 submitters); PubMed 37525074 (cited by Dasa); PubMed 36233295 (cited by Dasa); PubMed 29382405 (cited by Natera, Inc. and Women's Health and Genetics/Laboratory Corporation of America, LabCorp); PubMed 32222963 (cited by Women's Health and Genetics/Laboratory Corporation of America, LabCorp).

NM_001164508.2(NEB):c.1623del (p.Asp542fs)

Gene: NEB (nebulin; minus strand). Cytogenetic location: 2q23.3.
Variant type: Deletion.
Coding change: c.1623del on transcript NM_001164508.2 (MANE Select); coding-DNA position 1623, one base deleted (T; older notation c.1623delT).
Protein change: p.Asp542fs; shifts the reading frame from aspartic acid 542.
Molecular consequence: frameshift variant.
Genome position (GRCh38, 1-based): chr2:151,695,629, A deleted on the plus strand (T on the coding strand, the reverse complement: NEB is on the minus strand). VCF-style (leftmost placement, unchanged base first): chr2-151695628-CA-C. GRCh37 (hg19) VCF-style: chr2-152552142-CA-C.
Other names: c.1623del, p.Asp542fs (NM_001164507.2, NM_001271208.2, NM_004543.5); c.1623delT (NM_001271208.1); short protein forms D542fs.
Identifiers: ClinVar variation 575054 (VCV000575054.16), dbSNP rs772366030, ClinGen allele CA1911502.